The following is an entry in ClinVar:

ClinVar aggregate classification (germline): Uncertain significance. Review status: criteria provided, multiple submitters, no conflicts (2 of 4 stars). 2 submissions from 2 submitters: Uncertain significance (2). Last evaluated 2025-04-03.

Conditions:
Inborn genetic diseases. Identifiers: MedGen C0950123, MeSH D030342.
Immunodeficiency 104. Also called: IMMUNODEFICIENCY 104, SEVERE COMBINED; SCID, AUTOSOMAL RECESSIVE, T CELL-NEGATIVE, B CELL-POSITIVE, NK CELL-POSITIVE; Severe Combined Immune Deficiency, Autosomal Recessive, TCell -Negative, B Cell-Positive, NK Cell-Positive, IL7R-Related; Severe combined immunodeficiency, autosomal recessive, T cell-negative, B cell-positive, NK cell-positive. Identifiers: MedGen C5676890, MONDO:0012163, OMIM 608971.

Allele frequency attached by ClinVar (database versions not stated): gnomAD exomes 0.00001 and 0.00002; ExAC 0.00002.
gnomAD v4.1: 15 of 1,613,346 alleles (0.00093%); highest among the groups gnomAD compares: Admixed American, 0.0083%; no homozygotes.

Submissions (2):

Ambry Genetics
Classification: Uncertain significance for Inborn genetic diseases. Last evaluated: 2025-04-03. Review status: criteria provided, single submitter. Criteria: Ambry Variant Classification Scheme 2023. Collection method: clinical testing. Allele origin: germline.

Labcorp Genetics (formerly Invitae), Labcorp
Classification: Uncertain significance for Immunodeficiency 104. Last evaluated: 2024-10-22. Review status: criteria provided, single submitter. Criteria: Invitae Variant Classification Sherloc (09022015). Collection method: clinical testing. Allele origin: germline.
Comment: This sequence change replaces aspartic acid, which is acidic and polar, with asparagine, which is neutral and polar, at codon 1258 of the PTPRC protein (p.Asp1258Asn). This variant is present in population databases (rs757598062, gnomAD 0.004%). This variant has not been reported in the literature in individuals affected with PTPRC-related conditions. ClinVar contains an entry for this variant (Variation ID: 849432). An algorithm developed to predict the effect of missense changes on protein structure and function (PolyPhen-2) suggests that this variant is likely to be tolerated. In summary, the available evidence is currently insufficient to determine the role of this variant in disease. Therefore, it has been classified as a Variant of Uncertain Significance.

NM_002838.5(PTPRC):c.3772G>A (p.Asp1258Asn)

Gene: PTPRC (protein tyrosine phosphatase receptor type C; plus strand). Cytogenetic location: 1q32.1.
Variant type: single nucleotide variant.
Coding change: c.3772G>A on transcript NM_002838.5 (MANE Select); coding-DNA position 3772, G replaced by A.
Protein change: p.Asp1258Asn; replaces aspartic acid 1258 with asparagine.
Molecular consequence: missense variant.
Genome position (GRCh38, 1-based): chr1:198,756,032, G>A. VCF-style: chr1-198756032-G-A. GRCh37 (hg19) VCF-style: chr1-198725161-G-A.
Other names: c.3289G>A, p.Asp1097Asn (NM_080921.4); c.3766G>A (NM_002838.3); short protein forms D1097N, D1258N.
Identifiers: ClinVar variation 849432 (VCV000849432.10), dbSNP rs757598062, ClinGen allele CA1315557.
Genomic context (GRCh38, chr1:198,756,032, plus strand): 5'-AAAAACAACCATCAAGAAGATAAAATTGAATTTGATAATGAAGTGGACAAAGTAAAGCAG[G>A]ATGCTAATTGTGTTAATCCACTTGGTGCCCCAGAAAAGCTCCCTGAAGCAAAGGAACAGG-3'
Protein context (NP_002829.3, residues 1248-1268): FDNEVDKVKQ[Asp1258Asn]ANCVNPLGAP